The following is an entry in ClinVar:

ClinVar aggregate classification (germline): Likely benign. Review status: criteria provided, multiple submitters, no conflicts (2 of 4 stars). 2 submissions from 2 submitters: Likely benign (2). Last evaluated 2024-10-10.

Conditions:
Charcot-Marie-Tooth disease dominant intermediate C (CMTDIC). Also called: CHARCOT-MARIE-TOOTH NEUROPATHY, DOMINANT INTERMEDIATE C. Identifiers: Orphanet 100045, MedGen C1842237, MONDO:0012012, OMIM 608323.

Allele frequency attached by ClinVar (database versions not stated): gnomAD exomes below 0.00001; TOPMed below 0.00001; gnomAD 0.00001.
gnomAD v4.1: 5 of 1,613,972 alleles (0.00031%); highest among the groups gnomAD compares: Non-Finnish European, 0.00042%; no homozygotes.

Submissions (2):

Labcorp Genetics (formerly Invitae), Labcorp
Classification: Likely benign for Charcot-Marie-Tooth disease dominant intermediate C. Last evaluated: 2024-10-10. Review status: criteria provided, single submitter. Criteria: Invitae Variant Classification Sherloc (09022015). Collection method: clinical testing. Allele origin: germline.

GeneDx
Classification: Likely benign. Last evaluated: 2016-01-15. Review status: criteria provided, single submitter. Criteria: GeneDx Variant Classification (06012015). Collection method: clinical testing. Allele origin: germline. Affected: yes.
Comment: This variant is considered likely benign or benign based on one or more of the following criteria: it is a conservative change, it occurs at a poorly conserved position in the protein, it is predicted to be benign by multiple in silico algorithms, and/or has population frequency not consistent with disease.

NM_003680.4(YARS1):c.57+16T>C

Genes: S100PBP (S100P binding protein; plus strand), YARS1 (tyrosyl-tRNA synthetase 1; minus strand). Cytogenetic location: 1p35.1.
Variant type: single nucleotide variant.
Coding change: c.57+16T>C on transcript NM_003680.4 (MANE Select); 16 bases into the intron after coding-DNA position 57, T replaced by C.
Molecular consequence: intron variant.
Genome position (GRCh38, 1-based): chr1:32,817,172, A>G on the plus strand (T>C on the coding strand, the complement: YARS1 is on the minus strand). VCF-style: chr1-32817172-A-G. GRCh37 (hg19) VCF-style: chr1-33282773-A-G.
Identifiers: ClinVar variation 382756 (VCV000382756.8), dbSNP rs897251122, ClinGen allele CA16603617.